The following is an entry in ClinVar:

ClinVar aggregate classification (germline): Uncertain significance (1 of 4 stars; one submission).

Allele frequency attached by ClinVar (database versions not stated): gnomAD exomes below 0.00001; TOPMed below 0.00001.
gnomAD v4.1: 1 of 1,602,562 alleles (0.000062%); highest among the groups gnomAD compares: Non-Finnish European, 0.000085%; no homozygotes.

Submission:

Labcorp Genetics (formerly Invitae), Labcorp
Classification: Uncertain significance. Last evaluated: 2022-03-27. Review status: criteria provided, single submitter. Criteria: Invitae Variant Classification Sherloc (09022015). Collection method: clinical testing. Allele origin: germline.
Comment: In summary, the available evidence is currently insufficient to determine the role of this variant in disease. Therefore, it has been classified as a Variant of Uncertain Significance. Algorithms developed to predict the effect of missense changes on protein structure and function are either unavailable or do not agree on the potential impact of this missense change (SIFT: "Tolerated"; PolyPhen-2: "Not Available"; Align-GVGD: "Class C0"). This variant has not been reported in the literature in individuals affected with ZCCHC8-related conditions. This variant is not present in population databases (gnomAD no frequency). This sequence change replaces tyrosine, which is neutral and polar, with cysteine, which is neutral and slightly polar, at codon 108 of the ZCCHC8 protein (p.Tyr108Cys).

NM_017612.5(ZCCHC8):c.323A>G (p.Tyr108Cys)

Gene: ZCCHC8 (zinc finger CCHC-type containing 8; minus strand). Cytogenetic location: 12q24.31.
Variant type: single nucleotide variant.
Coding change: c.323A>G on transcript NM_017612.5 (MANE Select); coding-DNA position 323, A replaced by G.
Protein change: p.Tyr108Cys; replaces tyrosine 108 with cysteine.
Molecular consequence: missense variant. On other transcripts: 5 prime UTR variant (1), intron variant (1).
Genome position (GRCh38, 1-based): chr12:122,490,562, T>C on the plus strand (A>G on the coding strand, the complement: ZCCHC8 is on the minus strand). VCF-style: chr12-122490562-T-C. GRCh37 (hg19) VCF-style: chr12-122975109-T-C.
Other names: c.323A>G, p.Tyr108Cys (NM_001350935.2); c.26A>G, p.Tyr9Cys (NM_001350936.2); c.-222A>G (NM_001350937.2); c.-121-1099A>G (NM_001350938.2); short protein forms Y108C, Y9C.
Identifiers: ClinVar variation 2118140 (VCV002118140.4), dbSNP rs1957726136, ClinGen allele CA482209394.